The following is an entry in ClinVar:

ClinVar aggregate classification (germline): Uncertain significance. Review status: criteria provided, single submitter (1 of 4 stars). 3 submissions from 3 submitters: Uncertain significance (1). 2 of the submissions do not count toward it. Last evaluated 2022-02-10.

Conditions:
Microcephaly. Also called: Microcephaly (disease). Identifiers: MedGen C4551563, MONDO:0001149, HP:0000252.
Inborn genetic diseases. Identifiers: MedGen C0950123, MeSH D030342.
TAF2-related disorder. Also called: TAF2-related condition.

Allele frequency attached by ClinVar (database versions not stated): 1000 Genomes Project 0.00020; TOPMed 0.00022; ESP Exome Variant Server 0.00008; 1000 Genomes Project 30x 0.00016.
gnomAD v4.1: 28 of 1,614,072 alleles (0.0017%); highest among the groups gnomAD compares: East Asian, 0.04%; 1 homozygote.

Submissions (3):

Ambry Genetics
Classification: Uncertain significance for Inborn genetic diseases. Last evaluated: 2022-02-10. Review status: criteria provided, single submitter. Criteria: Ambry Variant Classification Scheme 2023. Collection method: clinical testing. Allele origin: germline.

PreventionGenetics, part of Exact Sciences
Classification: Uncertain significance for TAF2-related condition. Last evaluated: 2024-02-15. Review status: no assertion criteria provided. Collection method: clinical testing. Allele origin: germline. Not counted in ClinVar's aggregate classification.
Comment: The TAF2 c.2945G>C variant is predicted to result in the amino acid substitution p.Ser982Thr. To our knowledge, this variant has not been reported in the literature. This variant is reported in 0.035% of alleles in individuals of East Asian descent in gnomAD. At this time, the clinical significance of this variant is uncertain due to the absence of conclusive functional and genetic evidence.

Department of Pediatrics, Samsung Medical Center, Samsung Medical Center
Classification: Uncertain significance for Microcephaly. Review status: no assertion criteria provided. Criteria: ACMG Guidelines, 2015. Collection method: research. Allele origin: germline. Affected: yes. Not counted in ClinVar's aggregate classification.

NM_003184.4(TAF2):c.2945G>C (p.Ser982Thr)

Gene: TAF2 (TATA-box binding protein associated factor 2; minus strand). Cytogenetic location: 8q24.12.
Variant type: single nucleotide variant.
Coding change: c.2945G>C on transcript NM_003184.4 (MANE Select); coding-DNA position 2945, G replaced by C.
Protein change: p.Ser982Thr; replaces serine 982 with threonine.
Molecular consequence: missense variant.
Genome position (GRCh38, 1-based): chr8:119,746,868, C>G on the plus strand (G>C on the coding strand, the complement: TAF2 is on the minus strand). VCF-style: chr8-119746868-C-G. GRCh37 (hg19) VCF-style: chr8-120759108-C-G.
Other names: short protein forms S982T.
Identifiers: ClinVar variation 813597 (VCV000813597.4), dbSNP rs142223051, ClinGen allele CA4856922.